The following is an entry in ClinVar:

ClinVar aggregate classification (germline): Benign/Likely benign. Review status: criteria provided, multiple submitters, no conflicts (2 of 4 stars). 3 submissions from 3 submitters: Benign (1); Likely benign (1). 1 of the submissions does not count toward it. Last evaluated 2024-11-20.

Conditions:
RP1L1-related disorder. Also called: RP1L1-related condition.
Occult macular dystrophy (OCMD). Also called: OMD; OCCULT MACULAR DYSTROPHY, SUSCEPTIBILITY TO. Identifiers: Orphanet 247834, MedGen C3150833, MONDO:0013316, OMIM 613587, HP:0030636.

Allele frequency attached by ClinVar (database versions not stated): 1000 Genomes Project 30x 0.00016; 1000 Genomes Project 0.00020; TOPMed 0.00082; gnomAD 0.00093 and 0.00096; gnomAD exomes 0.00102; ESP Exome Variant Server 0.00113; ExAC 0.00140.
gnomAD v4.1: 2,335 of 1,604,202 alleles (0.15%); highest among the groups gnomAD compares: Non-Finnish European, 0.19%; 5 homozygotes.

Submissions (3):

Blueprint Genetics
Classification: Likely benign. Last evaluated: 2024-11-20. Review status: criteria provided, single submitter. Criteria: ACMG Guidelines, 2015. Collection method: clinical testing. Allele origin: germline.

Illumina Laboratory Services, Illumina
Classification: Benign for Occult macular dystrophy. Last evaluated: 2018-01-13. Review status: criteria provided, single submitter. Criteria: ICSL Variant Classification Criteria 13 December 2019. Collection method: clinical testing. Allele origin: germline.
Comment: This variant was observed in the ICSL laboratory as part of a predisposition screen in an ostensibly healthy population. It had not been previously curated by ICSL or reported in the Human Gene Mutation Database (HGMD: prior to June 1st, 2018), and was therefore a candidate for classification through an automated scoring system. Utilizing variant allele frequency, disease prevalence and penetrance estimates, and inheritance mode, an automated score was calculated to assess if this variant is too frequent to cause the disease. Based on the score and internal cut-off values, a variant classified as benign is not then subjected to further curation. The score for this variant resulted in a classification of benign for this disease.

PreventionGenetics, part of Exact Sciences
Classification: Likely benign for RP1L1-related condition. Last evaluated: 2019-07-02. Review status: no assertion criteria provided. Collection method: clinical testing. Allele origin: germline. Not counted in ClinVar's aggregate classification.
Comment: This variant is classified as likely benign based on ACMG/AMP sequence variant interpretation guidelines (Richards et al. 2015 PMID: 25741868, with internal and published modifications).

NM_178857.6(RP1L1):c.4514C>T (p.Ser1505Leu)

Gene: RP1L1 (RP1 like 1). Cytogenetic location: 8p23.1.
Variant type: single nucleotide variant.
Coding change: c.4514C>T on transcript NM_178857.6 (MANE Select); coding-DNA position 4514, C replaced by T.
Protein change: p.Ser1505Leu; replaces serine 1505 with leucine.
Molecular consequence: missense variant.
Genome position (GRCh38, 1-based): chr8:10,609,584, G>A on the plus strand (C>T on the coding strand, the complement: RP1L1 is on the minus strand). VCF-style: chr8-10609584-G-A. GRCh37 (hg19) VCF-style: chr8-10467094-G-A.
Other names: short protein forms S1505L.
Identifiers: ClinVar variation 361275 (VCV000361275.8), dbSNP rs202068070, ClinGen allele CA4623998.